The following is an entry in ClinVar:

NM_001035.3(RYR2):c.13904_13906del (p.Ile4635del)

Gene: RYR2 (ryanodine receptor 2; plus strand). Cytogenetic location: 1q43.
Variant type: Deletion.
Coding change: c.13904_13906del on transcript NM_001035.3 (MANE Select); coding-DNA positions 13904 to 13906, 3 bases deleted (TCA; older notation c.13904_13906delTCA).
Protein change: p.Ile4635del; deletes isoleucine 4635.
Molecular consequence: inframe deletion.
Genome position (GRCh38, 1-based): chr1:237,793,988-237,793,990, TCA deleted; deleting any 3 consecutive bases within chr1:237,793,987-237,793,990 gives the same sequence; the c. name uses the placement nearest the transcript's 3' end. VCF-style (leftmost placement, unchanged base first): chr1-237793986-AATC-A. GRCh37 (hg19) VCF-style: chr1-237957286-AATC-A.
Other names: short protein forms I4635del.
Identifiers: ClinVar variation 2134453 (VCV002134453.4), dbSNP rs2527950731, ClinGen allele CA2580062446.

ClinVar aggregate classification (germline): Uncertain significance (1 of 4 stars; one submission).

Conditions:
Catecholaminergic polymorphic ventricular tachycardia 1. Also called: VENTRICULAR TACHYCARDIA, STRESS-INDUCED POLYMORPHIC 1; VENTRICULAR TACHYCARDIA, CATECHOLAMINERGIC POLYMORPHIC, 1, WITH OR WITHOUT ATRIAL DYSFUNCTION AND/OR DILATED CARDIOMYOPATHY; RYR2-Related Catecholaminergic Polymorphic Ventricular Tachycardia. Identifiers: Orphanet 3286, MedGen C1631597, MONDO:0011484, OMIM 604772.

Submission:

Labcorp Genetics (formerly Invitae), Labcorp
Classification: Uncertain significance for Catecholaminergic polymorphic ventricular tachycardia 1. Last evaluated: 2022-05-05. Review status: criteria provided, single submitter. Criteria: Invitae Variant Classification Sherloc (09022015). Collection method: clinical testing. Allele origin: germline.
Comment: In summary, the available evidence is currently insufficient to determine the role of this variant in disease. Therefore, it has been classified as a Variant of Uncertain Significance. Experimental studies and prediction algorithms are not available or were not evaluated, and the functional significance of this variant is currently unknown. This variant has not been reported in the literature in individuals affected with RYR2-related conditions. This variant is not present in population databases (gnomAD no frequency). This variant, c.13904_13906del, results in the deletion of 1 amino acid(s) of the RYR2 protein (p.Ile4635del), but otherwise preserves the integrity of the reading frame.